The following is an entry in ClinVar:

ClinVar aggregate classification (germline): Uncertain significance (1 of 4 stars; one submission).

gnomAD v4.1: 92 of 1,563,408 alleles (0.0059%); highest among the groups gnomAD compares: African/African-American, 0.12%; no homozygotes.

Submission:

Women's Health and Genetics/Laboratory Corporation of America, LabCorp
Classification: Uncertain significance. Last evaluated: 2024-05-09. Review status: criteria provided, single submitter. Criteria: LabCorp Variant Classification Summary - May 2015. Collection method: clinical testing. Allele origin: germline.
Comment: Variant summary: CD36 c.629G>A (p.Gly210Glu) results in a non-conservative amino acid change in the encoded protein sequence. Five of five in-silico tools predict a damaging effect of the variant on protein function. The variant allele was found at a frequency of 8.4e-05 in 250678 control chromosomes. The available data on variant occurrences in the general population are insufficient to allow any conclusion about variant significance. To our knowledge, no occurrence of c.629G>A in individuals affected with CD36-Related Disorders and no experimental evidence demonstrating its impact on protein function have been reported. No submitters have cited clinical-significance assessments for this variant to ClinVar. Based on the evidence outlined above, the variant was classified as uncertain significance.

NM_001001548.3(CD36):c.629G>A (p.Gly210Glu)

Gene: CD36 (CD36 molecule (CD36 blood group); plus strand). Cytogenetic location: 7q21.11.
Variant type: single nucleotide variant.
Coding change: c.629G>A on transcript NM_001001548.3 (MANE Select); coding-DNA position 629, G replaced by A.
Protein change: p.Gly210Glu; replaces glycine 210 with glutamic acid.
Molecular consequence: missense variant. On other transcripts: non-coding transcript variant (1).
Genome position (GRCh38, 1-based): chr7:80,664,425, G>A. VCF-style: chr7-80664425-G-A. GRCh37 (hg19) VCF-style: chr7-80293741-G-A.
Other names: c.629G>A, p.Gly210Glu (NM_000072.3, NM_001001547.3, NM_001127443.2 and 6 more transcripts); c.449G>A, p.Gly150Glu (NM_001289909.1); c.401G>A, p.Gly134Glu (NM_001289911.2); c.527G>A, p.Gly176Glu (NM_001371079.1); c.164G>A, p.Gly55Glu (NM_001371080.1, NM_001371081.1); short protein forms G134E, G150E, G176E, G210E, G55E.
Identifiers: ClinVar variation 3336079 (VCV003336079.1).
Genomic context (GRCh38, chr7:80,664,425, plus strand): 5'-ATGACTTGTAGAAGTAACATTTTCCCATACATATATTTCAGTACAACAATACTGCAGATG[G>A]AGTTTATAAAGTTTTCAATGGAAAAGATAACATAAGTAAAGTTGCCATAATCGACACATA-3'
Protein context (NP_001001548.1, residues 200-220): LFYPYNNTAD[Gly210Glu]VYKVFNGKDN